The following is an entry in ClinVar:

ClinVar aggregate classification (germline): Likely benign. Review status: criteria provided, multiple submitters, no conflicts (2 of 4 stars). 5 submissions from 5 submitters: Likely benign (4). 1 of the submissions does not count toward it. Last evaluated 2026-02-02.

Conditions:
Hereditary cancer-predisposing syndrome. Also called: Neoplastic Syndromes, Hereditary; Hereditary Cancer Syndrome; Hereditary neoplastic syndrome; Tumor predisposition. Identifiers: Orphanet 140162, MedGen C0027672, MeSH D009386, MONDO:0015356.
Gorlin syndrome. Also called: Nevoid Basal Cell Carcinoma Syndrome; Basal cell nevus syndrome. Identifiers: Orphanet 377, MedGen C0004779, MONDO:0007187.
PTCH1-related disorder. Also called: PTCH1-related disorders; PTCH1-related condition.

Allele frequency attached by ClinVar (database versions not stated): gnomAD exomes 0.00004 and 0.00010; ExAC 0.00012; ESP Exome Variant Server 0.00031; TOPMed 0.00039; gnomAD 0.00041 and 0.00043; 1000 Genomes Project 30x 0.00047; 1000 Genomes Project 0.00060.
gnomAD v4.1: 131 of 1,614,226 alleles (0.0081%); highest among the groups gnomAD compares: African/African-American, 0.15%; no homozygotes.

Submissions (5):

Labcorp Genetics (formerly Invitae), Labcorp
Classification: Likely benign for Gorlin syndrome. Last evaluated: 2026-02-02. Review status: criteria provided, single submitter. Criteria: Invitae Variant Classification Sherloc (09022015). Collection method: clinical testing. Allele origin: germline.

Blueprint Genetics
Classification: Likely benign. Last evaluated: 2024-03-09. Review status: criteria provided, single submitter. Criteria: ACMG Guidelines, 2015. Collection method: clinical testing. Allele origin: germline.

Sema4
Classification: Likely benign for Hereditary cancer-predisposing syndrome. Last evaluated: 2022-02-10. Review status: criteria provided, single submitter. Criteria: Sema4 Curation Guidelines. Collection method: curation. Allele origin: germline.

Ambry Genetics
Classification: Likely benign for Hereditary cancer-predisposing syndrome. Last evaluated: 2019-02-14. Review status: criteria provided, single submitter. Criteria: Ambry Variant Classification Scheme 2023. Collection method: clinical testing. Allele origin: germline.

PreventionGenetics, part of Exact Sciences
Classification: Likely benign for PTCH1-related condition. Last evaluated: 2022-11-10. Review status: no assertion criteria provided. Collection method: clinical testing. Allele origin: germline. Not counted in ClinVar's aggregate classification.
Comment: This variant is classified as likely benign based on ACMG/AMP sequence variant interpretation guidelines (Richards et al. 2015 PMID: 25741868, with internal and published modifications).

NM_000264.5(PTCH1):c.1183A>G (p.Ile395Val)

Gene: PTCH1 (patched 1; minus strand). Cytogenetic location: 9q22.32.
Variant type: single nucleotide variant.
Coding change: c.1183A>G on transcript NM_000264.5 (MANE Select); coding-DNA position 1183, A replaced by G.
Protein change: p.Ile395Val; replaces isoleucine 395 with valine.
Molecular consequence: missense variant. On other transcripts: non-coding transcript variant (1).
Genome position (GRCh38, 1-based): chr9:95,479,032, T>C on the plus strand (A>G on the coding strand, the complement: PTCH1 is on the minus strand). VCF-style: chr9-95479032-T-C. GRCh37 (hg19) VCF-style: chr9-98241314-T-C.
Other names: c.985A>G, p.Ile329Val (NM_001083602.3); c.1180A>G, p.Ile394Val (NM_001083603.3); c.730A>G, p.Ile244Val (NM_001083604.3, NM_001083605.3, NM_001083606.3 and 1 more transcripts); c.1183A>G, p.Ile395Val (NM_001354918.2); short protein forms I329V, I395V, I244V, I394V.
Identifiers: ClinVar variation 453773 (VCV000453773.19), dbSNP rs139498131, ClinGen allele CA5138750.